The following is an entry in ClinVar:

NM_005391.5(PDK3):c.1066A>G (p.Ile356Val)

Gene: PDK3 (pyruvate dehydrogenase kinase 3; plus strand). Cytogenetic location: Xp22.11.
Variant type: single nucleotide variant.
Coding change: c.1066A>G on transcript NM_005391.5 (MANE Select); coding-DNA position 1066, A replaced by G.
Protein change: p.Ile356Val; replaces isoleucine 356 with valine.
Molecular consequence: missense variant.
Genome position (GRCh38, 1-based): chrX:24,531,759, A>G. VCF-style: chrX-24531759-A-G. GRCh37 (hg19) VCF-style: chrX-24549876-A-G.
Other names: c.1066A>G, p.Ile356Val (NM_001142386.3); short protein forms I356V.
Identifiers: ClinVar variation 4740251 (VCV004740251.1).

ClinVar aggregate classification (germline): Uncertain significance (1 of 4 stars; one submission).

Conditions:
Charcot-Marie-Tooth disease X-linked dominant 6. Also called: CHARCOT-MARIE-TOOTH NEUROPATHY, X-LINKED DOMINANT, 6. Identifiers: Orphanet 352675, MedGen C3806702, MONDO:0010479, OMIM 300905.

gnomAD v4.1: 1 of 1,112,546 alleles (0.00009%); highest among the groups gnomAD compares: Non-Finnish European, 0.00012%; no homozygotes.

Submission:

Labcorp Genetics (formerly Invitae), Labcorp
Classification: Uncertain significance for Charcot-Marie-Tooth disease X-linked dominant 6. Last evaluated: 2025-12-10. Review status: criteria provided, single submitter. Criteria: Invitae Variant Classification Sherloc (09022015). Collection method: clinical testing. Allele origin: germline.
Comment: This sequence change replaces isoleucine, which is neutral and non-polar, with valine, which is neutral and non-polar, at codon 356 of the PDK3 protein (p.Ile356Val). This variant is not present in population databases (gnomAD no frequency). This variant has not been reported in the literature in individuals affected with PDK3-related conditions. Invitae Evidence Modeling of protein sequence and biophysical properties (such as structural, functional, and spatial information, amino acid conservation, physicochemical variation, residue mobility, and thermodynamic stability) indicates that this missense variant is not expected to disrupt PDK3 protein function with a negative predictive value of 80%. In summary, the available evidence is currently insufficient to determine the role of this variant in disease. Therefore, it has been classified as a Variant of Uncertain Significance.